The following is an entry in ClinVar:

NM_006904.7(PRKDC):c.51G>C (p.Glu17Asp)

Genes: PRKDC (protein kinase, DNA-activated, catalytic subunit; minus strand), LOC129929030 (ATAC-STARR-seq lymphoblastoid silent region 19177; plus strand). Cytogenetic location: 8q11.21.
Variant type: single nucleotide variant.
Coding change: c.51G>C on transcript NM_006904.7 (MANE Select); coding-DNA position 51, G replaced by C.
Protein change: p.Glu17Asp; replaces glutamic acid 17 with aspartic acid.
Molecular consequence: missense variant.
Genome position (GRCh38, 1-based): chr8:47,960,076, C>G on the plus strand (G>C on the coding strand, the complement: PRKDC is on the minus strand). VCF-style: chr8-47960076-C-G. GRCh37 (hg19) VCF-style: chr8-48872636-C-G.
Other names: c.51G>C, p.Glu17Asp (NM_001081640.2); short protein forms E17D.
Identifiers: ClinVar variation 1746029 (VCV001746029.2), dbSNP rs2551882745, ClinGen allele CA371142988.
Genomic context (GRCh38, chr8:47,960,076, plus strand): 5'-GCCGCGGATCAGTTGATGACCGGCCAGGGCAGCACCGCAGCGGTCCGCAGCGGACAAGGT[C>G]TCCTGCAGCCGCAGCAGGGAGCAACGCACACCGGCTCCGGAGCCCGCCATGCCGCCGAGT-3'
Protein context (NP_008835.5, residues 7-27): GVRCSLLRLQ[Glu17Asp]TLSAADRCGA

ClinVar aggregate classification (germline): Uncertain significance (1 of 4 stars; one submission).

Submission:

Ambry Genetics
Classification: Uncertain significance. Last evaluated: 2022-07-14. Review status: criteria provided, single submitter. Criteria: Ambry Variant Classification Scheme 2023. Collection method: clinical testing. Allele origin: germline.
Comment: The p.E17D variant (also known as c.51G>C), located in coding exon 1 of the PRKDC gene, results from a G to C substitution at nucleotide position 51. The glutamic acid at codon 17 is replaced by aspartic acid, an amino acid with highly similar properties. This amino acid position is conserved. In addition, this alteration is predicted to be tolerated by in silico analysis. Since supporting evidence is limited at this time, the clinical significance of this alteration remains unclear.